The following is an entry in ClinVar:

NM_002972.4(SBF1):c.2084G>A (p.Arg695Gln)

Gene: SBF1 (SET binding factor 1; minus strand). Cytogenetic location: 22q13.33.
Variant type: single nucleotide variant.
Coding change: c.2084G>A on transcript NM_002972.4 (MANE Select); coding-DNA position 2084, G replaced by A.
Protein change: p.Arg695Gln; replaces arginine 695 with glutamine.
Molecular consequence: missense variant.
Genome position (GRCh38, 1-based): chr22:50,462,602, C>T on the plus strand (G>A on the coding strand, the complement: SBF1 is on the minus strand). VCF-style: chr22-50462602-C-T. GRCh37 (hg19) VCF-style: chr22-50901031-C-T.
Other names: c.2087G>A, p.Arg696Gln (NM_001365819.1); c.2084G>A (NM_002972.2); short protein forms R695Q, R696Q.
Identifiers: ClinVar variation 1487001 (VCV001487001.4), dbSNP rs756798043, ClinGen allele CA10317371.

ClinVar aggregate classification (germline): Uncertain significance. Review status: criteria provided, multiple submitters, no conflicts (2 of 4 stars). 2 submissions from 2 submitters: Uncertain significance (2). Last evaluated 2025-02-08.

Allele frequency attached by ClinVar (database versions not stated): ExAC 0.00002; gnomAD exomes 0.00004 and 0.00005; gnomAD 0.00007.
gnomAD v4.1: 72 of 1,612,190 alleles (0.0045%); highest among the groups gnomAD compares: Admixed American, 0.017%; no homozygotes.

Submissions (2):

Ambry Genetics
Classification: Uncertain significance. Last evaluated: 2025-02-08. Review status: criteria provided, single submitter. Criteria: Ambry Variant Classification Scheme 2023. Collection method: clinical testing. Allele origin: germline.

Labcorp Genetics (formerly Invitae), Labcorp
Classification: Uncertain significance. Last evaluated: 2022-07-29. Review status: criteria provided, single submitter. Criteria: Invitae Variant Classification Sherloc (09022015). Collection method: clinical testing. Allele origin: germline.
Comment: This sequence change replaces arginine, which is basic and polar, with glutamine, which is neutral and polar, at codon 695 of the SBF1 protein (p.Arg695Gln). This variant is present in population databases (rs756798043, gnomAD 0.04%). This variant has not been reported in the literature in individuals affected with SBF1-related conditions. ClinVar contains an entry for this variant (Variation ID: 1487001). Algorithms developed to predict the effect of missense changes on protein structure and function (SIFT, PolyPhen-2, Align-GVGD) all suggest that this variant is likely to be tolerated. Algorithms developed to predict the effect of sequence changes on RNA splicing suggest that this variant may create or strengthen a splice site. In summary, the available evidence is currently insufficient to determine the role of this variant in disease. Therefore, it has been classified as a Variant of Uncertain Significance.